The following is an entry in ClinVar:

ClinVar aggregate classification (germline): Pathogenic. Review status: criteria provided, multiple submitters, no conflicts (2 of 4 stars). 6 submissions from 6 submitters: Pathogenic (5). 1 of the submissions does not count toward it. Last evaluated 2025-09-19.

Conditions:
Spastic paraplegia. Identifiers: MedGen C0037772, HP:0001258.
Charlevoix-Saguenay spastic ataxia (SACS). Also called: SPASTIC ATAXIA 6, AUTOSOMAL RECESSIVE; AUTOSOMAL RECESSIVE SPASTIC ATAXIA OF CHARLEVOIX-SAGUENAY; Spastic ataxia of Charlevoix-Saguenay. Identifiers: Orphanet 98, MedGen C1849140, MONDO:0010041, OMIM 270550.

gnomAD v4.1: 3 of 1,614,082 alleles (0.00019%); highest among the groups gnomAD compares: Admixed American, 0.0017%; no homozygotes.

Submissions (6):

Natera, Inc.
Classification: Pathogenic for Charlevoix-Saguenay type spastic ataxia. Last evaluated: 2025-09-19. Review status: criteria provided, single submitter. Criteria: Natera Variant Classification Schema (03/2026). Collection method: clinical testing. Allele origin: germline.
Comment: The c.2881C>T variant in SACS is a nonsense variant predicted to introduce a stop codon at amino acid 961. This variant is expected to result in nonsense mediated decay, truncation, or a dysfunctional protein product. This variant is rare in the general population with a frequency below the threshold expected for the associated phenotype(s). This variant has been observed in one or more individuals affected with the associated recessive disease, as either homozygous or compound heterozygous with a second variant (PMID: 34420199, 22816526). Given the available evidence, this variant is classified as Pathogenic.

Athena Diagnostics
Classification: Pathogenic. Last evaluated: 2024-06-12. Review status: criteria provided, single submitter. Criteria: Athena Diagnostics Criteria. Collection method: clinical testing. Allele origin: unknown.
Comment: This variant has not been reported in large, multi-ethnic general populations. This variant is not expected to cause loss of protein expression through nonsense-mediated decay, however, similar variants in this region have been associated with disease, and therefore, this variant is also expected to contribute to disease. This variant has been identified in at least one individual with clinical features associated with this gene.

Baylor Genetics
Classification: Pathogenic for Charlevoix-Saguenay spastic ataxia. Last evaluated: 2023-10-24. Review status: criteria provided, single submitter. Criteria: ACMG Guidelines, 2015. Collection method: clinical testing. Allele origin: unknown.

Labcorp Genetics (formerly Invitae), Labcorp
Classification: Pathogenic for Spastic paraplegia. Last evaluated: 2022-10-03. Review status: criteria provided, single submitter. Criteria: Invitae Variant Classification Sherloc (09022015). Collection method: clinical testing. Allele origin: germline.
Comment: ClinVar contains an entry for this variant (Variation ID: 640122). For these reasons, this variant has been classified as Pathogenic. This variant disrupts a region of the SACS protein in which other variant(s) (p.Leu4303*) have been determined to be pathogenic (PMID: 16944349, 23497566, 26288984). This suggests that this is a clinically significant region of the protein, and that variants that disrupt it are likely to be disease-causing. This sequence change creates a premature translational stop signal (p.Arg961*) in the SACS gene. While this is not anticipated to result in nonsense mediated decay, it is expected to disrupt the last 3619 amino acid(s) of the SACS protein. This premature translational stop signal has been observed in individuals with spastic ataxia (PMID: 22816526, 29482223). This variant is not present in population databases (gnomAD no frequency).

PROSPAX: an integrated multimodal progression  chart in spastic ataxias, Center for Neurology; Hertie-Institute for Clinical Brain Research
Classification: Pathogenic for Charlevoix-Saguenay spastic ataxia. Last evaluated: 2022-01-01. Review status: criteria provided, single submitter. Criteria: ACMG Guidelines, 2015. Collection method: research. Allele origin: germline. Affected: yes.
Comment: Variant seen in compound het: [c.2881C>T;c.4756_4760delAATCA]

Solve-RD Consortium
Classification: Likely pathogenic for Charlevoix-Saguenay spastic ataxia. Last evaluated: 2022-06-01. Review status: no assertion criteria provided. Collection method: provider interpretation. Allele origin: inherited. Affected: yes. Not counted in ClinVar's aggregate classification.
Comment: Variant confirmed as disease-causing by referring clinical team

Variant identified during reanalysis of unsolved cases by the Solve-RD project. The Solve-RD project has received funding from the European Union’s Horizon 2020 research and innovation programme under grant agreement No 779257.

Literature cited by the submitters: PubMed 34420199 (cited by Natera, Inc.); PubMed 22816526 (cited by 3 submitters); PubMed 36905089 (cited by Athena Diagnostics); PubMed 30840144 (cited by Athena Diagnostics); PubMed 38261029 (cited by Athena Diagnostics); PubMed 30460542 (cited by Athena Diagnostics); PubMed 29968200 (cited by Athena Diagnostics); PubMed 29482223 (cited by Athena Diagnostics and Labcorp Genetics (formerly Invitae), Labcorp); PubMed 26288984 (cited by Athena Diagnostics and Labcorp Genetics (formerly Invitae), Labcorp); PubMed 16944349 (cited by Labcorp Genetics (formerly Invitae), Labcorp); PubMed 23497566 (cited by Labcorp Genetics (formerly Invitae), Labcorp); PubMed 39825153 (cited by Solve-RD Consortium).

NM_014363.6(SACS):c.2881C>T (p.Arg961Ter)

Gene: SACS (sacsin molecular chaperone; minus strand). Cytogenetic location: 13q12.12.
Variant type: single nucleotide variant.
Coding change: c.2881C>T on transcript NM_014363.6 (MANE Select); coding-DNA position 2881, C replaced by T.
Protein change: p.Arg961Ter; replaces arginine 961 with a stop codon.
Molecular consequence: nonsense.
Genome position (GRCh38, 1-based): chr13:23,340,995, G>A on the plus strand (C>T on the coding strand, the complement: SACS is on the minus strand). VCF-style: chr13-23340995-G-A. GRCh37 (hg19) VCF-style: chr13-23915134-G-A.
Other names: c.2881C>T (NM_014363.4); c.2440C>T, p.Arg814Ter (NM_001278055.2); short protein forms R814*, R961*.
Identifiers: ClinVar variation 640122 (VCV000640122.14), dbSNP rs1593133395, ClinGen allele CA387537418.
Genomic context (GRCh38, chr13:23,340,995, plus strand): 5'-ACATGTTTGCCAGACGAATAGTAGCTTCATCACTACTGTCTATTACTGAAATAGAAAGTC[G>A]CAGATCTGCTGGGAGTTTGGCAGTATGGTGTAAGACTTTACAACCTTTCAATTTTGTATA-3'